The following is an entry in ClinVar:

NM_001271.4(CHD2):c.2464A>G (p.Ile822Val)

Gene: CHD2 (chromodomain helicase DNA binding protein 2; plus strand). Cytogenetic location: 15q26.1.
Variant type: single nucleotide variant.
Coding change: c.2464A>G on transcript NM_001271.4 (MANE Select); coding-DNA position 2464, A replaced by G.
Protein change: p.Ile822Val; replaces isoleucine 822 with valine.
Molecular consequence: missense variant.
Genome position (GRCh38, 1-based): chr15:92,972,376, A>G. VCF-style: chr15-92972376-A-G. GRCh37 (hg19) VCF-style: chr15-93515606-A-G.
Other names: short protein forms I822V.
Identifiers: ClinVar variation 2915098 (VCV002915098.3), dbSNP rs1326451036, ClinGen allele CA393893365.
Genomic context (GRCh38, chr15:92,972,376, plus strand): 5'-AGACTTCGAGAAAGGGGGAATCGAGTGCTTATCTTCTCTCAGATGGTGAGAATGTTGGAT[A>G]TCCTGGCTGAATACCTAACTATTAAACACTATCCTTTCCAGGTAAGGTGATTTCAGTAAT-3'
Protein context (NP_001262.3, residues 812-832): IFSQMVRMLD[Ile822Val]LAEYLTIKHY

ClinVar aggregate classification (germline): Uncertain significance (1 of 4 stars; one submission).

Conditions:
Developmental and epileptic encephalopathy 94 (DEE94). Also called: Epileptic encephalopathy, childhood-onset; CHD2-Related Neurodevelopmental Disorders. Identifiers: Orphanet 1942, Orphanet 2382, MedGen C3809278, MONDO:0014150, OMIM 615369.

Allele frequency attached by ClinVar (database versions not stated): gnomAD 0.00001; TOPMed 0.00001.
gnomAD v4.1: 2 of 1,611,682 alleles (0.00012%); highest among the groups gnomAD compares: African/African-American, 0.0027%; no homozygotes.

Submission:

Labcorp Genetics (formerly Invitae), Labcorp
Classification: Uncertain significance for Developmental and epileptic encephalopathy 94. Last evaluated: 2023-12-31. Review status: criteria provided, single submitter. Criteria: Invitae Variant Classification Sherloc (09022015). Collection method: clinical testing. Allele origin: germline.
Comment: This sequence change replaces isoleucine, which is neutral and non-polar, with valine, which is neutral and non-polar, at codon 822 of the CHD2 protein (p.Ile822Val). This variant is not present in population databases (gnomAD no frequency). This variant has not been reported in the literature in individuals affected with CHD2-related conditions. Advanced modeling of protein sequence and biophysical properties (such as structural, functional, and spatial information, amino acid conservation, physicochemical variation, residue mobility, and thermodynamic stability) performed at Invitae indicates that this missense variant is not expected to disrupt CHD2 protein function with a negative predictive value of 95%. In summary, the available evidence is currently insufficient to determine the role of this variant in disease. Therefore, it has been classified as a Variant of Uncertain Significance.